The following is an entry in ClinVar:

ClinVar aggregate classification (germline): Uncertain significance (1 of 4 stars; one submission).

Conditions:
Epileptic encephalopathy. Identifiers: MedGen C0543888, HP:0200134.

Allele frequency attached by ClinVar (database versions not stated): TOPMed 0.00005; 1000 Genomes Project 0.00020; gnomAD exomes 0.00003 and 0.00002; gnomAD 0.00007; ESP Exome Variant Server 0.00015; ExAC 0.00002; 1000 Genomes Project 30x 0.00016.
gnomAD v4.1: 50 of 1,612,896 alleles (0.0031%); highest among the groups gnomAD compares: African/African-American, 0.0093%; no homozygotes.

Submission:

Labcorp Genetics (formerly Invitae), Labcorp
Classification: Uncertain significance for Epileptic encephalopathy. Last evaluated: 2024-08-31. Review status: criteria provided, single submitter. Criteria: Invitae Variant Classification Sherloc (09022015). Collection method: clinical testing. Allele origin: germline.
Comment: This sequence change replaces aspartic acid, which is acidic and polar, with asparagine, which is neutral and polar, at codon 524 of the FASN protein (p.Asp524Asn). This variant is present in population databases (rs147394389, gnomAD 0.01%). This variant has not been reported in the literature in individuals affected with FASN-related conditions. ClinVar contains an entry for this variant (Variation ID: 462008). An algorithm developed to predict the effect of missense changes on protein structure and function (PolyPhen-2) suggests that this variant is likely to be tolerated. In summary, the available evidence is currently insufficient to determine the role of this variant in disease. Therefore, it has been classified as a Variant of Uncertain Significance.

NM_004104.5(FASN):c.1570G>A (p.Asp524Asn)

Gene: FASN (fatty acid synthase; minus strand). Cytogenetic location: 17q25.3.
Variant type: single nucleotide variant.
Coding change: c.1570G>A on transcript NM_004104.5 (MANE Select); coding-DNA position 1570, G replaced by A.
Protein change: p.Asp524Asn; replaces aspartic acid 524 with asparagine.
Molecular consequence: missense variant.
Genome position (GRCh38, 1-based): chr17:82,090,992, C>T on the plus strand (G>A on the coding strand, the complement: FASN is on the minus strand). VCF-style: chr17-82090992-C-T. GRCh37 (hg19) VCF-style: chr17-80048868-C-T.
Other names: short protein forms D524N.
Identifiers: ClinVar variation 462008 (VCV000462008.11), dbSNP rs147394389, ClinGen allele CA8853105.
Genomic context (GRCh38, chr17:82,090,992, plus strand): 5'-TCTCGTCTGTGCTCAGCAGCAGCTGTGACACCTTCAGGCCGAATGGCTTCACAGCCTCAT[C>T]GGAGCGTAGGATGGAATCTCGGAAGCGGTCCAGGCGCATGAGGCTCAGCCCCATCCCGCG-3'
Protein context (NP_004095.4, residues 514-534): DRFRDSILRS[Asp524Asn]EAVKPFGLKV